The following is an entry in ClinVar:

ClinVar aggregate classification (germline): Uncertain significance (1 of 4 stars; one submission).

Conditions:
Fanconi anemia (FA). Also called: Fanconi's anemia. Identifiers: Orphanet 84, MedGen C0015625, MeSH D005199, MONDO:0019391.

Submission:

Labcorp Genetics (formerly Invitae), Labcorp
Classification: Uncertain significance for Fanconi anemia. Last evaluated: 2020-09-10. Review status: criteria provided, single submitter. Criteria: Invitae Variant Classification Sherloc (09022015). Collection method: clinical testing. Allele origin: germline.
Comment: This sequence change replaces phenylalanine with leucine at codon 400 of the FANCA protein (p.Phe400Leu). The phenylalanine residue is weakly conserved and there is a small physicochemical difference between phenylalanine and leucine. This variant is not present in population databases (ExAC no frequency). This variant has not been reported in the literature in individuals with FANCA-related conditions. Advanced modeling of protein sequence and biophysical properties (such as structural, functional, and spatial information, amino acid conservation, physicochemical variation, residue mobility, and thermodynamic stability) performed at Invitae indicates that this missense variant is not expected to disrupt FANCA protein function. In summary, the available evidence is currently insufficient to determine the role of this variant in disease. Therefore, it has been classified as a Variant of Uncertain Significance.

NM_000135.4(FANCA):c.1198T>C (p.Phe400Leu)

Gene: FANCA (FA complementation group A; minus strand). Cytogenetic location: 16q24.3.
Variant type: single nucleotide variant.
Coding change: c.1198T>C on transcript NM_000135.4 (MANE Select); coding-DNA position 1198, T replaced by C.
Protein change: p.Phe400Leu; replaces phenylalanine 400 with leucine.
Molecular consequence: missense variant.
Genome position (GRCh38, 1-based): chr16:89,791,954, A>G on the plus strand (T>C on the coding strand, the complement: FANCA is on the minus strand). VCF-style: chr16-89791954-A-G. GRCh37 (hg19) VCF-style: chr16-89858362-A-G.
Other names: c.1198T>C, p.Phe400Leu (NM_001286167.3); short protein forms F400L.
Identifiers: ClinVar variation 1059639 (VCV001059639.9), dbSNP rs1360355945, ClinGen allele CA397466048.
Genomic context (GRCh38, chr16:89,791,954, plus strand): 5'-GACCAGCACCACCGGGCTCGCGTAAAAGCTCACCTTCAAGCAGCTGCTGCGCTTCTGGAA[A>G]GCAGACAACCAGGGCAGACACAAAGGAGAGCACTCTCTGCCAGTGAACCTCCTGCGTTTC-3'
Protein context (NP_000126.2, residues 390-410): LSFVSALVVC[Phe400Leu]PEAQQLLEDW